The following is an entry in ClinVar:

NM_001395656.1(ROBO2):c.*1052G>A

Gene: ROBO2 (roundabout guidance receptor 2; plus strand). Cytogenetic location: 3p12.3.
Variant type: single nucleotide variant.
Coding change: c.*1052G>A on transcript NM_001395656.1 (MANE Select); 1052 bases downstream of the stop codon, G replaced by A.
Molecular consequence: 3 prime UTR variant.
Genome position (GRCh38, 1-based): chr3:77,647,107, G>A. VCF-style: chr3-77647107-G-A. GRCh37 (hg19) VCF-style: chr3-77696258-G-A.
Other names: c.*1052G>A (NM_001378200.1, NM_001378202.1, NM_001394212.1 and 14 more transcripts); c.*1049G>A (NM_001378201.1, NM_001378203.1, NM_001395657.1 and 3 more transcripts).
Identifiers: ClinVar variation 346728 (VCV000346728.6), dbSNP rs535435438, ClinGen allele CA10619643.

ClinVar aggregate classification (germline): Benign (1 of 4 stars; one submission).

Conditions:
Vesicoureteral reflux 2 (VUR2). Identifiers: Orphanet 289365, MedGen C1970483, MONDO:0012573, OMIM 610878.

Allele frequency attached by ClinVar (database versions not stated): gnomAD 0.00017 and 0.00030; TOPMed 0.00024; 1000 Genomes Project 0.00060; 1000 Genomes Project 30x 0.00094.

Submission:

Illumina Laboratory Services, Illumina
Classification: Benign for Vesicoureteral reflux 2. Last evaluated: 2018-01-13. Review status: criteria provided, single submitter. Criteria: ICSL Variant Classification Criteria 13 December 2019. Collection method: clinical testing. Allele origin: germline.
Comment: This variant was observed in the ICSL laboratory as part of a predisposition screen in an ostensibly healthy population. It had not been previously curated by ICSL or reported in the Human Gene Mutation Database (HGMD: prior to June 1st, 2018), and was therefore a candidate for classification through an automated scoring system. Utilizing variant allele frequency, disease prevalence and penetrance estimates, and inheritance mode, an automated score was calculated to assess if this variant is too frequent to cause the disease. Based on the score and internal cut-off values, a variant classified as benign is not then subjected to further curation. The score for this variant resulted in a classification of benign for this disease.